The following is an entry in ClinVar:

NM_004380.3(CREBBP):c.5169C>T (p.Cys1723=)

Gene: CREBBP (CREB binding lysine acetyltransferase; minus strand). Cytogenetic location: 16p13.3.
Variant type: single nucleotide variant.
Coding change: c.5169C>T on transcript NM_004380.3 (MANE Select); coding-DNA position 5169, C replaced by T.
Protein change: p.Cys1723=; no amino-acid change (cysteine 1723 retained).
Molecular consequence: synonymous variant.
Genome position (GRCh38, 1-based): chr16:3,731,195, G>A on the plus strand (C>T on the coding strand, the complement: CREBBP is on the minus strand). VCF-style: chr16-3731195-G-A. GRCh37 (hg19) VCF-style: chr16-3781196-G-A.
Other names: c.5169C>T (NM_004380.2); c.5055C>T, p.Cys1685= (NM_001079846.1).
Identifiers: ClinVar variation 1610209 (VCV001610209.10), dbSNP rs146718571, ClinGen allele CA7869346.
Genomic context (GRCh38, chr16:3,731,195, plus strand): 5'-GGATGCTTCGTCAGACCCCAGGCCGGCTGTGGGGGTGGGGGTGGGGGCAGGGCCTACCTC[G>A]CACACAGTGCAGTGCCAGCGCGTCTCCACGTGGTGCTTGCACTCGTTGCAGGTGTAGACA-3'
Protein context (NP_004371.2, residues 1713-1733): HVETRWHCTV[Cys1723=]EDYDLCINCY

ClinVar aggregate classification (germline): Likely benign. Review status: criteria provided, single submitter (1 of 4 stars). 2 submissions from 2 submitters: Likely benign (1). 1 of the submissions does not count toward it. Last evaluated 2025-10-10.

Conditions:
Rubinstein-Taybi syndrome (RSTS). Identifiers: Orphanet 783, MedGen C0035934, MONDO:0019188.
CREBBP-related disorder. Also called: CREBBP-related condition; CREBBP-related disorders.

Allele frequency attached by ClinVar (database versions not stated): gnomAD exomes 0.00002 and 0.00009; gnomAD 0.00003; TOPMed 0.00006; ESP Exome Variant Server 0.00008; ExAC 0.00009.
gnomAD v4.1: 32 of 1,611,588 alleles (0.002%); highest among the groups gnomAD compares: Admixed American, 0.043%; no homozygotes.

Submissions (2):

Labcorp Genetics (formerly Invitae), Labcorp
Classification: Likely benign for Rubinstein-Taybi syndrome. Last evaluated: 2025-10-10. Review status: criteria provided, single submitter. Criteria: Invitae Variant Classification Sherloc (09022015). Collection method: clinical testing. Allele origin: germline.

PreventionGenetics, part of Exact Sciences
Classification: Likely benign for CREBBP-related condition. Last evaluated: 2019-05-09. Review status: no assertion criteria provided. Collection method: clinical testing. Allele origin: germline. Not counted in ClinVar's aggregate classification.
Comment: This variant is classified as likely benign based on ACMG/AMP sequence variant interpretation guidelines (Richards et al. 2015 PMID: 25741868, with internal and published modifications).